The following is an entry in ClinVar:

NM_000088.4(COL1A1):c.1562del (p.Gly521fs)

Gene: COL1A1 (collagen type I alpha 1 chain; minus strand). Cytogenetic location: 17q21.33.
Variant type: Deletion.
Coding change: c.1562del on transcript NM_000088.4 (MANE Select); coding-DNA position 1562, one base deleted (G; older notation c.1562delG).
Protein change: p.Gly521fs; shifts the reading frame from glycine 521.
Molecular consequence: frameshift variant.
Genome position (GRCh38, 1-based): chr17:50,194,401, C deleted on the plus strand (G on the coding strand, the reverse complement: COL1A1 is on the minus strand); the first of 2 consecutive C bases (chr17:50,194,401-50,194,402); deleting either gives the same sequence. VCF-style (leftmost placement, unchanged base first): chr17-50194400-TC-T. GRCh37 (hg19) VCF-style: chr17-48271761-TC-T.
Other names: short protein forms G521fs.
Identifiers: ClinVar variation 844736 (VCV000844736.8), dbSNP rs1907377731, ClinGen allele CA916081208.

ClinVar aggregate classification (germline): Pathogenic (1 of 4 stars; one submission).

Conditions:
Osteogenesis imperfecta type I (OI1). Also called: OI, TYPE I; OSTEOGENESIS IMPERFECTA TARDA; OSTEOGENESIS IMPERFECTA WITH BLUE SCLERAE; Osteogenesis imperfecta type 1; Lobstein disease; Classic Non-deforming Osteogenesis Imperfecta with Blue Sclerae. Identifiers: Orphanet 216796, Orphanet 666, MedGen C0023931, MONDO:0008146, OMIM 166200. Disease mechanism: loss of function.

Submission:

Labcorp Genetics (formerly Invitae), Labcorp
Classification: Pathogenic for Osteogenesis imperfecta type I. Last evaluated: 2019-11-28. Review status: criteria provided, single submitter. Criteria: Invitae Variant Classification Sherloc (09022015). Collection method: clinical testing. Allele origin: germline.
Comment: For these reasons, this variant has been classified as Pathogenic. Loss-of-function variants in COL1A1 are known to be pathogenic (PMID: 7942841, 9295084, 9443882). Algorithms developed to predict the effect of sequence changes on RNA splicing suggest that this variant may create or strengthen a splice site, but this prediction has not been confirmed by published transcriptional studies. This variant has not been reported in the literature in individuals with COL1A1-related conditions. This variant is not present in population databases (ExAC no frequency). This sequence change creates a premature translational stop signal (p.Gly521Aspfs*20) in the COL1A1 gene. It is expected to result in an absent or disrupted protein product.

Literature cited by the submitters: PubMed 7942841; PubMed 9295084; PubMed 9443882.